The following is an entry in ClinVar:

ClinVar aggregate classification (germline): Uncertain significance (1 of 4 stars; one submission).

Submission:

Labcorp Genetics (formerly Invitae), Labcorp
Classification: Uncertain significance. Last evaluated: 2023-09-17. Review status: criteria provided, single submitter. Criteria: Invitae Variant Classification Sherloc (09022015). Collection method: clinical testing. Allele origin: germline.
Comment: In summary, the available evidence is currently insufficient to determine the role of this variant in disease. Therefore, it has been classified as a Variant of Uncertain Significance. An algorithm developed to predict the effect of missense changes on protein structure and function (PolyPhen-2) suggests that this variant is likely to be disruptive. This variant has not been reported in the literature in individuals affected with EIF2AK2-related conditions. This variant is not present in population databases (gnomAD no frequency). This sequence change replaces asparagine, which is neutral and polar, with aspartic acid, which is acidic and polar, at codon 235 of the EIF2AK2 protein (p.Asn235Asp).

NM_001135651.3(EIF2AK2):c.703A>G (p.Asn235Asp)

Gene: EIF2AK2 (eukaryotic translation initiation factor 2 alpha kinase 2; minus strand). Cytogenetic location: 2p22.2.
Variant type: single nucleotide variant.
Coding change: c.703A>G on transcript NM_001135651.3 (MANE Select); coding-DNA position 703, A replaced by G.
Protein change: p.Asn235Asp; replaces asparagine 235 with aspartic acid.
Molecular consequence: missense variant.
Genome position (GRCh38, 1-based): chr2:37,137,002, T>C on the plus strand (A>G on the coding strand, the complement: EIF2AK2 is on the minus strand). VCF-style: chr2-37137002-T-C. GRCh37 (hg19) VCF-style: chr2-37364145-T-C.
Other names: c.703A>G, p.Asn235Asp (NM_001135652.3, NM_002759.4); short protein forms N235D.
Identifiers: ClinVar variation 2806062 (VCV002806062.3), dbSNP rs2465331391, ClinGen allele CA346315537.